The following is an entry in ClinVar:

ClinVar aggregate classification (germline): Uncertain significance (1 of 4 stars; one submission).

Submission:

Ambry Genetics
Classification: Uncertain significance. Last evaluated: 2022-08-29. Review status: criteria provided, single submitter. Criteria: Ambry Variant Classification Scheme 2023. Collection method: clinical testing. Allele origin: germline.
Comment: The p.L2198S variant (also known as c.6593T>C), located in coding exon 22 of the POLQ gene, results from a T to C substitution at nucleotide position 6593. The leucine at codon 2198 is replaced by serine, an amino acid with dissimilar properties. This amino acid position is conserved. In addition, the in silico prediction for this alteration is inconclusive. Since supporting evidence is limited at this time, the clinical significance of this alteration remains unclear.

NM_199420.4(POLQ):c.6593T>C (p.Leu2198Ser)

Gene: POLQ (DNA polymerase theta; minus strand). Cytogenetic location: 3q13.33.
Variant type: single nucleotide variant.
Coding change: c.6593T>C on transcript NM_199420.4 (MANE Select); coding-DNA position 6593, T replaced by C.
Protein change: p.Leu2198Ser; replaces leucine 2198 with serine.
Molecular consequence: missense variant.
Genome position (GRCh38, 1-based): chr3:121,472,115, A>G on the plus strand (T>C on the coding strand, the complement: POLQ is on the minus strand). VCF-style: chr3-121472115-A-G. GRCh37 (hg19) VCF-style: chr3-121190962-A-G.
Other names: short protein forms L2198S.
Identifiers: ClinVar variation 1754374 (VCV001754374.2), dbSNP rs2546773521, ClinGen allele CA354085500.